The following is an entry in ClinVar:

ClinVar aggregate classification (germline): Uncertain significance (1 of 4 stars; one submission).

Allele frequency attached by ClinVar (database versions not stated): TOPMed below 0.00001.
gnomAD v4.1: 1 of 1,580,942 alleles (0.000063%); highest among the groups gnomAD compares: Non-Finnish European, 0.000086%; no homozygotes.

Submission:

GeneDx
Classification: Uncertain significance. Last evaluated: 2022-02-15. Review status: criteria provided, single submitter. Criteria: GeneDx Variant Classification Process June 2021. Collection method: clinical testing. Allele origin: germline. Affected: yes.
Comment: Not observed at significant frequency in large population cohorts (gnomAD); In-silico analysis is inconclusive as to whether the variant alters gene splicing. In the absence of RNA/functional studies, the actual effect of this sequence change is unknown.; Has not been previously published as pathogenic or benign to our knowledge

NM_001367561.1(DOCK7):c.1890A>G (p.Glu630=)

Gene: DOCK7 (dedicator of cytokinesis 7; minus strand). Cytogenetic location: 1p31.3.
Variant type: single nucleotide variant.
Coding change: c.1890A>G on transcript NM_001367561.1 (MANE Select); coding-DNA position 1890, A replaced by G.
Protein change: p.Glu630=; no amino-acid change (glutamic acid 630 retained).
Molecular consequence: synonymous variant.
Genome position (GRCh38, 1-based): chr1:62,578,948, T>C on the plus strand (A>G on the coding strand, the complement: DOCK7 is on the minus strand). VCF-style: chr1-62578948-T-C. GRCh37 (hg19) VCF-style: chr1-63044619-T-C.
Other names: c.1890A>G, p.Glu630= (NM_001271999.2, NM_001272000.2, NM_001272001.2 and 2 more transcripts).
Identifiers: ClinVar variation 1702812 (VCV001702812.2), dbSNP rs1647025196, ClinGen allele CA418014762.